The following is an entry in ClinVar:

ClinVar aggregate classification (germline): Benign (1 of 4 stars; one submission).

Allele frequency attached by ClinVar (database versions not stated): gnomAD 0.03971 and 0.04257; TOPMed 0.04586; 1000 Genomes Project 0.04952.
gnomAD v4.1: 5,982 of 151,982 alleles (3.9%); highest among the groups gnomAD compares: African/African-American, 14%; 369 homozygotes.

Submission:

GeneDx
Classification: Benign. Last evaluated: 2018-06-16. Review status: criteria provided, single submitter. Criteria: GeneDx Variant Classification (06012015). Collection method: clinical testing. Allele origin: germline. Affected: yes.
Comment: This variant is considered likely benign or benign based on one or more of the following criteria: it is a conservative change, it occurs at a poorly conserved position in the protein, it is predicted to be benign by multiple in silico algorithms, and/or has population frequency not consistent with disease.

NM_025114.4(CEP290):c.2483+226G>A

Gene: CEP290 (centrosomal protein 290; minus strand). Cytogenetic location: 12q21.32.
Variant type: single nucleotide variant.
Coding change: c.2483+226G>A on transcript NM_025114.4 (MANE Select); 226 bases into the intron after coding-DNA position 2483, G replaced by A.
Molecular consequence: intron variant.
Genome position (GRCh38, 1-based): chr12:88,108,840, C>T on the plus strand (G>A on the coding strand, the complement: CEP290 is on the minus strand). VCF-style: chr12-88108840-C-T. GRCh37 (hg19) VCF-style: chr12-88502617-C-T.
Identifiers: ClinVar variation 679022 (VCV000679022.1), dbSNP rs79549870, ClinGen allele CA241149215.